The following is an entry in ClinVar:

ClinVar aggregate classification (germline): Uncertain significance. Review status: criteria provided, multiple submitters, no conflicts (2 of 4 stars). 2 submissions from 2 submitters: Uncertain significance (2). Last evaluated 2025-08-21.

Submissions (2):

Dasa
Classification: Uncertain significance. Last evaluated: 2025-08-21. Review status: criteria provided, single submitter. Criteria: DASA Assertion Criteria. Collection method: clinical testing. Allele origin: germline.
Comment: NM_002905.5(RDH5):c.341T>A (p.Val114Glu) is a missense variant that results in the substitution of valine with glutamic acid. This variant is rare in population databases. Computational prediction algorithms are consistent with a deleterious effect. The currently available literature and clinical evidence are not sufficient to establish a definitive association between this variant and the reported condition. Therefore, this variant is classified as a variant of uncertain significance.

Blueprint Genetics
Classification: Uncertain significance. Last evaluated: 2022-08-11. Review status: criteria provided, single submitter. Criteria: ACMG Guidelines, 2015. Collection method: clinical testing. Allele origin: germline.

NM_002905.5(RDH5):c.341T>A (p.Val114Glu)

Genes: BLOC1S1-RDH5 (BLOC1S1-RDH5 readthrough; plus strand), RDH5 (retinol dehydrogenase 5; plus strand). Cytogenetic location: 12q13.2.
Variant type: single nucleotide variant.
Coding change: c.341T>A on transcript NM_002905.5 (MANE Select); coding-DNA position 341, T replaced by A.
Protein change: p.Val114Glu; replaces valine 114 with glutamic acid.
Molecular consequence: missense variant. On other transcripts: non-coding transcript variant (1).
Genome position (GRCh38, 1-based): chr12:55,721,719, T>A. VCF-style: chr12-55721719-T-A. GRCh37 (hg19) VCF-style: chr12-56115503-T-A.
Other names: c.341T>A, p.Val114Glu (NM_001199771.3); short protein forms V114E.
Identifiers: ClinVar variation 4882802 (VCV004882802.3).